The following is an entry in ClinVar:

NM_018942.3(HMX1):c.509G>A (p.Arg170His)

Gene: HMX1 (H6 family homeobox 1; minus strand). Cytogenetic location: 4p16.1.
Variant type: single nucleotide variant.
Coding change: c.509G>A on transcript NM_018942.3 (MANE Select); coding-DNA position 509, G replaced by A.
Protein change: p.Arg170His; replaces arginine 170 with histidine.
Molecular consequence: missense variant. On other transcripts: intron variant (1).
Genome position (GRCh38, 1-based): chr4:8,868,231, C>T on the plus strand (G>A on the coding strand, the complement: HMX1 is on the minus strand). VCF-style: chr4-8868231-C-T. GRCh37 (hg19) VCF-style: chr4-8869957-C-T.
Other names: c.394+2990G>A (NM_001306142.2); short protein forms R170H.
Identifiers: ClinVar variation 2139049 (VCV002139049.4), dbSNP rs929420675, ClinGen allele CA92349803.

ClinVar aggregate classification (germline): Uncertain significance (1 of 4 stars; one submission).

Submission:

Labcorp Genetics (formerly Invitae), Labcorp
Classification: Uncertain significance. Last evaluated: 2022-08-21. Review status: criteria provided, single submitter. Criteria: Invitae Variant Classification Sherloc (09022015). Collection method: clinical testing. Allele origin: germline.
Comment: This sequence change replaces arginine, which is basic and polar, with histidine, which is basic and polar, at codon 170 of the HMX1 protein (p.Arg170His). In summary, the available evidence is currently insufficient to determine the role of this variant in disease. Therefore, it has been classified as a Variant of Uncertain Significance. Algorithms developed to predict the effect of missense changes on protein structure and function (SIFT, PolyPhen-2, Align-GVGD) all suggest that this variant is likely to be tolerated. This variant has not been reported in the literature in individuals affected with HMX1-related conditions. This variant is present in population databases (no rsID available, gnomAD 0.02%).